The following is an entry in ClinVar:

NM_006206.6(PDGFRA):c.832C>T (p.Pro278Ser)

Gene: PDGFRA (platelet derived growth factor receptor alpha; plus strand). Cytogenetic location: 4q12.
Variant type: single nucleotide variant.
Coding change: c.832C>T on transcript NM_006206.6 (MANE Select); coding-DNA position 832, C replaced by T.
Protein change: p.Pro278Ser; replaces proline 278 with serine.
Molecular consequence: missense variant.
Genome position (GRCh38, 1-based): chr4:54,267,361, C>T. VCF-style: chr4-54267361-C-T. GRCh37 (hg19) VCF-style: chr4-55133528-C-T.
Other names: c.832C>T, p.Pro278Ser (NM_001347827.2, NM_001347829.2); c.907C>T, p.Pro303Ser (NM_001347828.2); c.871C>T, p.Pro291Ser (NM_001347830.2); short protein forms P278S, P291S, P303S.
Identifiers: ClinVar variation 4774599 (VCV004774599.1).

ClinVar aggregate classification (germline): Uncertain significance (1 of 4 stars; one submission).

Conditions:
Gastrointestinal stromal tumor. Also called: Gastrointestinal stroma tumor; Gastrointestinal stromal tumor, somatic. Identifiers: Orphanet 44890, MedGen C0238198, MeSH D046152, MONDO:0011719, OMIM 606764, HP:0100723.

Submission:

Labcorp Genetics (formerly Invitae), Labcorp
Classification: Uncertain significance for Gastrointestinal stromal tumor. Last evaluated: 2025-06-16. Review status: criteria provided, single submitter. Criteria: Invitae Variant Classification Sherloc (09022015). Collection method: clinical testing. Allele origin: germline.
Comment: This sequence change replaces proline, which is neutral and non-polar, with serine, which is neutral and polar, at codon 278 of the PDGFRA protein (p.Pro278Ser). This variant is not present in population databases (gnomAD no frequency). This variant has not been reported in the literature in individuals affected with PDGFRA-related conditions. Invitae Evidence Modeling of protein sequence and biophysical properties (such as structural, functional, and spatial information, amino acid conservation, physicochemical variation, residue mobility, and thermodynamic stability) indicates that this missense variant is not expected to disrupt PDGFRA protein function with a negative predictive value of 80%. In summary, the available evidence is currently insufficient to determine the role of this variant in disease. Therefore, it has been classified as a Variant of Uncertain Significance.